The following is an entry in ClinVar:

ClinVar aggregate classification (germline): Uncertain significance (1 of 4 stars; one submission).

Conditions:
Inborn genetic diseases. Identifiers: MedGen C0950123, MeSH D030342.

Submission:

Ambry Genetics
Classification: Uncertain significance for Inborn genetic diseases. Last evaluated: 2021-07-04. Review status: criteria provided, single submitter. Criteria: Ambry Variant Classification Scheme 2023. Collection method: clinical testing. Allele origin: germline.
Comment: The p.L1522V variant (also known as c.4564C>G), located in coding exon 32 of the LRRK2 gene, results from a C to G substitution at nucleotide position 4564. The leucine at codon 1522 is replaced by valine, an amino acid with highly similar properties. This amino acid position is conserved. In addition, the in silico prediction for this alteration is inconclusive. Since supporting evidence is limited at this time, the clinical significance of this alteration remains unclear.

NM_198578.4(LRRK2):c.4564C>G (p.Leu1522Val)

Gene: LRRK2 (leucine rich repeat kinase 2; plus strand). Cytogenetic location: 12q12.
Variant type: single nucleotide variant.
Coding change: c.4564C>G on transcript NM_198578.4 (MANE Select); coding-DNA position 4564, C replaced by G.
Protein change: p.Leu1522Val; replaces leucine 1522 with valine.
Molecular consequence: missense variant.
Genome position (GRCh38, 1-based): chr12:40,313,999, C>G. VCF-style: chr12-40313999-C-G. GRCh37 (hg19) VCF-style: chr12-40707801-C-G.
Other names: short protein forms L1522V.
Identifiers: ClinVar variation 1741508 (VCV001741508.2), dbSNP rs2499845677, ClinGen allele CA384418791.